The following is an entry in ClinVar:

NM_007294.4(BRCA1):c.2383A>G (p.Lys795Glu)

Gene: BRCA1 (BRCA1 DNA repair associated; minus strand). Cytogenetic location: 17q21.31.
Variant type: single nucleotide variant.
Coding change: c.2383A>G on transcript NM_007294.4 (MANE Select); coding-DNA position 2383, A replaced by G.
Protein change: p.Lys795Glu; replaces lysine 795 with glutamic acid.
Molecular consequence: missense variant. On other transcripts: intron variant (137).
Genome position (GRCh38, 1-based): chr17:43,093,148, T>C on the plus strand (A>G on the coding strand, the complement: BRCA1 is on the minus strand). VCF-style: chr17-43093148-T-C. GRCh37 (hg19) VCF-style: chr17-41245165-T-C.
Other names: c.2173A>G, p.Lys725Glu (NM_001407879.1, NM_001407881.1, NM_001407884.1 and 13 more transcripts); c.2170A>G, p.Lys724Glu (NM_001407894.1, NM_001407853.1, NM_001407895.1 and 9 more transcripts); c.2380A>G, p.Lys794Glu (NM_001407613.1, NM_001407614.1, NM_001407615.1 and 22 more transcripts); c.2383A>G, p.Lys795Glu (NM_001407616.1, NM_001407617.1, NM_001407618.1 and 30 more transcripts); c.2374A>G, p.Lys792Glu (NM_001407646.1, NM_001407647.1); c.2260A>G, p.Lys754Glu (NM_001407648.1, NM_001407664.1, NM_001407665.1 and 19 more transcripts); c.2257A>G, p.Lys753Glu (NM_001407649.1, NM_001407670.1, NM_001407671.1 and 11 more transcripts); c.2305A>G, p.Lys769Glu (NM_001407653.1, NM_001407654.1, NM_001407655.1 and 4 more transcripts); and 41 more; short protein forms K795E, K748E, K627E, K667E, K684E, K728E, K499E, K683E.
Identifiers: ClinVar variation 628587 (VCV000628587.7), dbSNP rs1567795889, ClinGen allele CA10597243.
Genomic context (GRCh38, chr17:43,093,148, plus strand): 5'-TTAGTCCCTTGGGGTTTTCAAATGCTGCACACTGACTCACACATTTATTTGGTTCTGTTT[T>C]TGCCTTCCCTAGAGTGCTAACTTCCAGTAACGAGATACTTTCCTGAGTGCCATAATCAGT-3'
Protein context (NP_009225.1, residues 785-805): LLEVSTLGKA[Lys795Glu]TEPNKCVSQC

ClinVar aggregate classification (germline): Conflicting classifications of pathogenicity. Review status: criteria provided, conflicting classifications (1 of 4 stars). 2 submissions from 2 submitters: Uncertain significance (1); Likely benign (1). Last evaluated 2024-10-14.

Conditions:
Hereditary cancer-predisposing syndrome. Also called: Neoplastic Syndromes, Hereditary; Tumor predisposition; Hereditary neoplastic syndrome; Hereditary Cancer Syndrome. Identifiers: Orphanet 140162, MedGen C0027672, MeSH D009386, MONDO:0015356.

Submissions (2):

Color Diagnostics, LLC DBA Color Health
Classification: Uncertain significance for Hereditary cancer-predisposing syndrome. Last evaluated: 2024-10-14. Review status: criteria provided, single submitter. Criteria: ACMG Guidelines, 2015. Collection method: clinical testing. Allele origin: germline.
Comment: This missense variant replaces lysine with glutamic acid at codon 795 of the BRCA1 protein. Computational prediction is inconclusive regarding the impact of this variant on protein structure and function. To our knowledge, functional studies have not been reported for this variant. This variant has not been reported in individuals affected with BRCA1-related disorders in the literature. This variant has not been identified in the general population by the Genome Aggregation Database (gnomAD). The available evidence is insufficient to determine the role of this variant in disease conclusively. Therefore, this variant is classified as a Variant of Uncertain Significance.

University of Washington Department of Laboratory Medicine, University of Washington
Classification: Likely benign for Hereditary cancer-predisposing syndrome. Last evaluated: 2023-03-23. Review status: criteria provided, single submitter. Criteria: Dines et al. (Genet Med. 2020). Collection method: curation. Allele origin: germline.
Comment: Missense variant in a coldspot region where missense variants are very unlikely to be pathogenic (PMID:31911673).

BRCA1 coldspot (exon 11 using historical exon numbering). Reclassification based on statistical prior probability